The following is an entry in ClinVar:

NC_000001.10:g.(?_45800057)_(45800189_?)dup

Gene: MUTYH (mutY DNA glycosylase; minus strand). Cytogenetic location: 1p34.1.
Variant type: Duplication.
Identifiers: ClinVar variation 533334 (VCV000533334.1).

ClinVar aggregate classification (germline): Likely pathogenic (1 of 4 stars; one submission).

Conditions:
Familial adenomatous polyposis 2. Also called: MUTYH Polyposis; COLORECTAL ADENOMATOUS POLYPOSIS, AUTOSOMAL RECESSIVE; ADENOMAS, MULTIPLE COLORECTAL, AUTOSOMAL RECESSIVE; MUTYH-associated polyposis; MUTYH-related attenuated familial adenomatous polyposis; Adenomas, multiple colorectal. Identifiers: Orphanet 220460, Orphanet 247798, MedGen C3272841, MONDO:0012041, OMIM 608456.

Submission:

Labcorp Genetics (formerly Invitae), Labcorp
Classification: Likely pathogenic for Familial adenomatous polyposis 2. Last evaluated: 2017-08-24. Review status: criteria provided, single submitter. Criteria: Invitae Variant Classification Sherloc (09022015). Collection method: clinical testing. Allele origin: germline.
Comment: This variant is a gross duplication of the genomic region encompassing exon 2 and the first 111 nucleotides of exon 3 of the MUTYH gene, including the intron 2-exon 3 boundary (c.36+107_268dup). While the exact position of the duplicated region cannot be determined from this data, the duplicated copy of this region is likely in tandem and may result in an absent or disrupted protein product. A duplication of exon 2 in MUTYH has not been reported in the literature in individuals with MUTYH-related disease. Sub-genic duplications are generally in tandem (PMID: 25640679), and result in an absent or disrupted protein. Loss-of-function variants in MUTYH are known to be pathogenic (PMID: 18534194, 20663686). In summary, the currently available evidence indicates that the variant is pathogenic, but additional data are needed to prove that conclusively. Therefore, this variant has been classified as Likely Pathogenic.